The following is an entry in ClinVar:

NC_000014.9:g.106165243G>A

Genes: IGH (immunoglobulin heavy locus; minus strand), IGHV3-16 (immunoglobulin heavy variable 3-16 (non-functional); minus strand). Cytogenetic location: 14q32.33.
Variant type: single nucleotide variant.
Genome position: GRCh38 VCF-style: chr14-106165243-G-A. GRCh37 (hg19) VCF-style: chr14-106621932-G-A.
Identifiers: ClinVar variation 2644930 (VCV002644930.23), dbSNP rs369775642, ClinGen allele CA266997701.

ClinVar aggregate classification (germline): Likely benign (1 of 4 stars; one submission).

Allele frequency attached by ClinVar (database versions not stated): 1000 Genomes Project 0.00120; 1000 Genomes Project 30x 0.00125; ESP Exome Variant Server 0.00147; TOPMed 0.00165; ExAC 0.00217; gnomAD 0.00222.

Submission:

CeGaT Center for Human Genetics Tuebingen
Classification: Likely benign. Last evaluated: 2022-12-01. Review status: criteria provided, single submitter. Criteria: CeGaT Center For Human Genetics Tuebingen Variant Classification Criteria Version 2. Collection method: clinical testing. Allele origin: germline. Affected: yes. Observed: 1 variant allele.
Comment: ENSG00000289598: BS2